The following is an entry in ClinVar:

ClinVar aggregate classification (germline): Uncertain significance (1 of 4 stars; one submission).

Conditions:
Breast-ovarian cancer, familial, susceptibility to, 4. Identifiers: Orphanet 145, MedGen C3280345, MONDO:0013669, OMIM 614291.

Submission:

Labcorp Genetics (formerly Invitae), Labcorp
Classification: Uncertain significance for Breast-ovarian cancer, familial, susceptibility to, 4. Last evaluated: 2023-02-25. Review status: criteria provided, single submitter. Criteria: Invitae Variant Classification Sherloc (09022015). Collection method: clinical testing. Allele origin: germline.
Comment: Studies have shown that this missense change is associated with altered splicing resulting in unknown protein product impact (Invitae). Advanced modeling of protein sequence and biophysical properties (such as structural, functional, and spatial information, amino acid conservation, physicochemical variation, residue mobility, and thermodynamic stability) has been performed at Invitae for this missense variant, however the output from this modeling did not meet the statistical confidence thresholds required to predict the impact of this variant on RAD51D protein function. This variant has not been reported in the literature in individuals affected with RAD51D-related conditions. This variant is not present in population databases (gnomAD no frequency). This sequence change replaces cysteine, which is neutral and slightly polar, with glycine, which is neutral and non-polar, at codon 117 of the RAD51D protein (p.Cys117Gly). In summary, the available evidence is currently insufficient to determine the role of this variant in disease. Therefore, it has been classified as a Variant of Uncertain Significance.

NM_002878.4(RAD51D):c.349T>G (p.Cys117Gly)

Genes: RAD51D (RAD51 paralog D; minus strand), RAD51L3-RFFL (RAD51L3-RFFL readthrough; minus strand). Cytogenetic location: 17q12.
Variant type: single nucleotide variant.
Coding change: c.349T>G on transcript NM_002878.4 (MANE Select); coding-DNA position 349, T replaced by G.
Protein change: p.Cys117Gly; replaces cysteine 117 with glycine.
Molecular consequence: missense variant. On other transcripts: non-coding transcript variant (1), intron variant (1).
Genome position (GRCh38, 1-based): chr17:35,107,119, A>C on the plus strand (T>G on the coding strand, the complement: RAD51D is on the minus strand). VCF-style: chr17-35107119-A-C. GRCh37 (hg19) VCF-style: chr17-33434138-A-C.
Other names: c.409T>G, p.Cys137Gly (NM_001142571.2); c.145-638T>G (NM_133629.3); short protein forms C117G, C137G.
Identifiers: ClinVar variation 2840660 (VCV002840660.3), dbSNP rs786201358, ClinGen allele CA399089404.